The following is an entry in ClinVar:

ClinVar aggregate classification (germline): Pathogenic (1 of 4 stars; one submission).

Conditions:
Exostoses, multiple, type 2 (EXT2). Also called: Hereditary Multiple Osteochondromatosis, Type II; EXOSTOSES, MULTIPLE, TYPE II. Identifiers: Orphanet 321, MedGen C1851413, MONDO:0007586, OMIM 133701.

Submission:

Labcorp Genetics (formerly Invitae), Labcorp
Classification: Pathogenic for Exostoses, multiple, type 2. Last evaluated: 2021-07-01. Review status: criteria provided, single submitter. Criteria: Invitae Variant Classification Sherloc (09022015). Collection method: clinical testing. Allele origin: germline.
Comment: This sequence change creates a premature translational stop signal (p.Glu244Argfs*26) in the EXT2 gene. It is expected to result in an absent or disrupted protein product. Loss-of-function variants in EXT2 are known to be pathogenic (PMID: 10679937, 19810120). This variant is not present in population databases (ExAC no frequency). This variant has not been reported in the literature in individuals affected with EXT2-related conditions. For these reasons, this variant has been classified as Pathogenic.

Literature cited by the submitters: PubMed 10679937; PubMed 19810120.

NM_207122.2(EXT2):c.729del (p.Glu244fs)

Gene: EXT2 (exostosin glycosyltransferase 2; plus strand). Cytogenetic location: 11p11.2.
Variant type: Deletion.
Coding change: c.729del on transcript NM_207122.2 (MANE Select); coding-DNA position 729, one base deleted (A; older notation c.729delA).
Protein change: p.Glu244fs; shifts the reading frame from glutamic acid 244.
Molecular consequence: frameshift variant.
Genome position (GRCh38, 1-based): chr11:44,114,287, A deleted. VCF-style (leftmost placement, unchanged base first): chr11-44114286-CA-C. GRCh37 (hg19) VCF-style: chr11-44135836-CA-C.
Other names: c.828del, p.Glu277fs (NM_000401.3); c.729del, p.Glu244fs (NM_001178083.3, NM_001389628.1, NM_001389630.1); short protein forms E244fs, E277fs.
Identifiers: ClinVar variation 1382216 (VCV001382216.6), dbSNP rs2134985455, ClinGen allele CA2573146314.